The following is an entry in ClinVar:

NM_004637.6(RAB7A):c.570C>G (p.Ile190Met)

Genes: RAB7A (RAB7A, member RAS oncogene family; plus strand), LOC112872299 (Sharpr-MPRA regulatory region 6458; plus strand). Cytogenetic location: 3q21.3.
Variant type: single nucleotide variant.
Coding change: c.570C>G on transcript NM_004637.6 (MANE Select); coding-DNA position 570, C replaced by G.
Protein change: p.Ile190Met; replaces isoleucine 190 with methionine.
Molecular consequence: missense variant.
Genome position (GRCh38, 1-based): chr3:128,813,368, C>G. VCF-style: chr3-128813368-C-G. GRCh37 (hg19) VCF-style: chr3-128532211-C-G.
Other names: short protein forms I190M.
Identifiers: ClinVar variation 3012538 (VCV003012538.3), dbSNP rs2529150217, ClinGen allele CA354423584.
Genomic context (GRCh38, chr3:128,813,368, plus strand): 5'-TCTCTGTTTCCTTGTCCAGGAAACGGAGGTGGAGCTGTACAACGAATTTCCTGAACCTAT[C>G]AAACTGGACAAGAATGACCGGGCCAAGGCCTCGGCAGAAAGCTGCAGTTGCTGAGGGGGC-3'
Protein context (NP_004628.4, residues 180-200): VELYNEFPEP[Ile190Met]KLDKNDRAKA

ClinVar aggregate classification (germline): Uncertain significance (1 of 4 stars; one submission).

Conditions:
Charcot-Marie-Tooth disease type 2B (CMT2B). Also called: CHARCOT-MARIE-TOOTH DISEASE, AXONAL, TYPE 2B; CHARCOT-MARIE-TOOTH DISEASE, AUTOSOMAL DOMINANT, TYPE 2B; HEREDITARY MOTOR AND SENSORY NEUROPATHY IIB; Charcot-Marie-Tooth Neuropathy Type 2B. Identifiers: Orphanet 99936, MedGen C1833219, MONDO:0010949, OMIM 600882.

Submission:

Labcorp Genetics (formerly Invitae), Labcorp
Classification: Uncertain significance for Charcot-Marie-Tooth disease type 2B. Last evaluated: 2023-05-16. Review status: criteria provided, single submitter. Criteria: Invitae Variant Classification Sherloc (09022015). Collection method: clinical testing. Allele origin: germline.
Comment: This sequence change replaces isoleucine, which is neutral and non-polar, with methionine, which is neutral and non-polar, at codon 190 of the RAB7A protein (p.Ile190Met). In summary, the available evidence is currently insufficient to determine the role of this variant in disease. Therefore, it has been classified as a Variant of Uncertain Significance. An algorithm developed to predict the effect of missense changes on protein structure and function (PolyPhen-2) suggests that this variant is likely to be tolerated. This variant has not been reported in the literature in individuals affected with RAB7A-related conditions. This variant is not present in population databases (gnomAD no frequency).